The following is an entry in ClinVar:

NM_001365480.1(CCDC88A):c.1149G>C (p.Glu383Asp)

Gene: CCDC88A (coiled-coil and HOOK domain protein 88A; minus strand). Cytogenetic location: 2p16.1.
Variant type: single nucleotide variant.
Coding change: c.1149G>C on transcript NM_001365480.1 (MANE Select); coding-DNA position 1149, G replaced by C.
Protein change: p.Glu383Asp; replaces glutamic acid 383 with aspartic acid.
Molecular consequence: missense variant.
Genome position (GRCh38, 1-based): chr2:55,344,407, C>G on the plus strand (G>C on the coding strand, the complement: CCDC88A is on the minus strand). VCF-style: chr2-55344407-C-G. GRCh37 (hg19) VCF-style: chr2-55571543-C-G.
Other names: c.1149G>C, p.Glu383Asp (NM_001135597.2, NM_001254943.2, NM_018084.5); c.1149G>C (NM_001135597.1); short protein forms E383D.
Identifiers: ClinVar variation 2053814 (VCV002053814.4), dbSNP rs1668852476, ClinGen allele CA346905975.

ClinVar aggregate classification (germline): Uncertain significance. Review status: criteria provided, multiple submitters, no conflicts (2 of 4 stars). 2 submissions from 2 submitters: Uncertain significance (2). Last evaluated 2025-07-01.

Allele frequency attached by ClinVar (database versions not stated): gnomAD 0.00001.
gnomAD v4.1: 1 of 1,593,558 alleles (0.000063%); highest among the groups gnomAD compares: African/African-American, 0.0013%; no homozygotes.

Submissions (2):

GeneDx
Classification: Uncertain significance. Last evaluated: 2025-07-01. Review status: criteria provided, single submitter. Criteria: GeneDx Variant Classification Process June 2021. Collection method: clinical testing. Allele origin: germline. Affected: yes.
Comment: Not observed at significant frequency in large population cohorts (gnomAD); In silico analysis suggests that this missense variant does not alter protein structure/function; Has not been previously published as pathogenic or benign to our knowledge

Labcorp Genetics (formerly Invitae), Labcorp
Classification: Uncertain significance. Last evaluated: 2025-02-18. Review status: criteria provided, single submitter. Criteria: Invitae Variant Classification Sherloc (09022015). Collection method: clinical testing. Allele origin: germline.
Comment: This sequence change replaces glutamic acid, which is acidic and polar, with aspartic acid, which is acidic and polar, at codon 383 of the CCDC88A protein (p.Glu383Asp). This variant is not present in population databases (gnomAD no frequency). This variant has not been reported in the literature in individuals affected with CCDC88A-related conditions. ClinVar contains an entry for this variant (Variation ID: 2053814). An algorithm developed to predict the effect of missense changes on protein structure and function (PolyPhen-2) suggests that this variant is likely to be tolerated. In summary, the available evidence is currently insufficient to determine the role of this variant in disease. Therefore, it has been classified as a Variant of Uncertain Significance.